The following is an entry in ClinVar:

ClinVar aggregate classification (germline): Benign/Likely benign. Review status: criteria provided, multiple submitters, no conflicts (2 of 4 stars). 21 submissions from 21 submitters: Benign (16); Likely benign (3). 2 of the submissions do not count toward it. Last evaluated 2026-09-01.

Conditions:
Hereditary cancer-predisposing syndrome. Also called: Neoplastic Syndromes, Hereditary; Tumor predisposition; Hereditary neoplastic syndrome; Hereditary Cancer Syndrome. Identifiers: Orphanet 140162, MedGen C0027672, MeSH D009386, MONDO:0015356.
Hereditary breast ovarian cancer syndrome. Also called: Breast and ovarian cancer; BRCA1- and BRCA2-Associated Hereditary Breast and Ovarian Cancer; Hereditary breast and/or ovarian cancer syndrome; Hereditary breast and ovarian cancer syndrome; Hereditary breast and ovarian cancer; Hereditary breast and ovarian cancer syndrome (HBOC). Identifiers: Orphanet 145, MedGen C0677776, MeSH D061325, MONDO:0003582. Disease mechanism: loss of function.
Familial cancer of breast. Also called: Hereditary breast cancer; hereditary breast carcinoma; BREAST CANCER, FAMILIAL. Identifiers: Orphanet 227535, MedGen C0346153, MONDO:0016419, OMIM 114480. Disease mechanism: loss of function.
Malignant tumor of breast. Also called: Malignant breast neoplasm; Cancer breast. Identifiers: MedGen C0006142, MONDO:0007254. Disease mechanism: loss of function.

Allele frequency attached by ClinVar (database versions not stated): gnomAD 0.00787; 1000 Genomes Project 30x 0.00843; 1000 Genomes Project 0.00859; ExAC 0.00874; gnomAD exomes 0.00890 and 0.00926; ESP Exome Variant Server 0.00900; TOPMed 0.01020.
gnomAD v4.1: 15,116 of 1,596,334 alleles (0.95%); highest among the groups gnomAD compares: Middle Eastern, 4.9%; 118 homozygotes.

Submissions (21):

CeGaT Center for Human Genetics Tuebingen
Classification: Benign. Last evaluated: 2026-09-01. Review status: criteria provided, single submitter. Criteria: CeGaT Center For Human Genetics Tuebingen Variant Classification Criteria Version 2. Collection method: clinical testing. Allele origin: germline. Affected: yes. Observed: 53 variant alleles.
Comment: BARD1: BP4, BP7, BS1, BS2

Labcorp Genetics (formerly Invitae), Labcorp
Classification: Benign for Familial cancer of breast. Last evaluated: 2026-02-04. Review status: criteria provided, single submitter. Criteria: Invitae Variant Classification Sherloc (09022015). Collection method: clinical testing. Allele origin: germline.

Dasa
Classification: Benign. Last evaluated: 2025-11-04. Review status: criteria provided, single submitter. Criteria: DASA Assertion Criteria. Collection method: clinical testing. Allele origin: germline.
Comment: NM_000465.4(BARD1):c.609A>C (p.Gly203=) is a synonymous variant predicted not to alter the encoded amino acid sequence. Population frequency is inconsistent with a disease-causing role for this variant, observations in unaffected individuals support a benign interpretation, and the variant context is inconsistent with a known disease-causing mechanism. Therefore, based on the currently available evidence, this variant is classified as benign.

ARUP Laboratories, Molecular Genetics and Genomics, ARUP Laboratories
Classification: Benign for Familial cancer of breast. Last evaluated: 2025-07-15. Review status: criteria provided, single submitter. Criteria: ARUP Molecular Germline Variant Investigation Process 2024. Collection method: clinical testing. Allele origin: germline.

Mayo Clinic Laboratories, Mayo Clinic
Classification: Likely benign. Last evaluated: 2025-05-06. Review status: criteria provided, single submitter. Criteria: ACMG Guidelines, 2015. Collection method: clinical testing. Allele origin: germline. Observed: 28 variant alleles.
Comment: BS1, BP4, BP7

Center for Genomic Medicine, Rigshospitalet, Copenhagen University Hospital
Classification: Benign. Last evaluated: 2025-03-04. Review status: criteria provided, single submitter. Criteria: ACMG Guidelines, 2015. Collection method: clinical testing. Allele origin: germline.

Blueprint Genetics
Classification: Likely benign. Last evaluated: 2024-11-26. Review status: criteria provided, single submitter. Criteria: ACMG Guidelines, 2015. Collection method: clinical testing. Allele origin: germline.

KCCC/NGS Laboratory, Kuwait Cancer Control Center
Classification: Benign for Familial cancer of breast. Last evaluated: 2023-07-07. Review status: criteria provided, single submitter. Criteria: ACMG Guidelines, 2015. Collection method: clinical testing. Allele origin: germline. Affected: yes.

Myriad Genetics, Inc.
Classification: Benign for Familial cancer of breast. Last evaluated: 2023-02-24. Review status: criteria provided, single submitter. Criteria: Myriad Autosomal Dominant, Autosomal Recessive and X-Linked Classification Criteria (2023). Collection method: clinical testing. Allele origin: unknown.
Comment: This variant is considered benign. This variant is a silent/synonymous amino acid change and it is not expected to impact splicing.

Quest Diagnostics Nichols Institute San Juan Capistrano
Classification: Benign. Last evaluated: 2022-06-09. Review status: criteria provided, single submitter. Criteria: Quest Diagnostics criteria. Collection method: clinical testing. Allele origin: unknown.

National Health Laboratory Service, Universitas Academic Hospital and University of the Free State
Classification: Benign for Hereditary breast ovarian cancer syndrome. Last evaluated: 2022-04-19. Review status: criteria provided, single submitter. Criteria: ACMG Guidelines, 2015. Collection method: clinical testing. Allele origin: germline. Affected: yes. Observed: 13 variant alleles.

Sema4
Classification: Benign for Hereditary cancer-predisposing syndrome. Last evaluated: 2021-05-11. Review status: criteria provided, single submitter. Criteria: Sema4 Curation Guidelines. Collection method: curation. Allele origin: germline.

Genetic Services Laboratory, University of Chicago
Classification: Benign. Last evaluated: 2020-09-18. Review status: criteria provided, single submitter. Criteria: ACMG Guidelines, 2015. Collection method: clinical testing. Allele origin: germline. Affected: no.

Illumina Laboratory Services, Illumina
Classification: Benign for Familial cancer of breast. Last evaluated: 2018-01-13. Review status: criteria provided, single submitter. Criteria: ICSL Variant Classification Criteria 13 December 2019. Collection method: clinical testing. Allele origin: germline.
Comment: This variant was observed in the ICSL laboratory as part of a predisposition screen in an ostensibly healthy population. It had not been previously curated by ICSL or reported in the Human Gene Mutation Database (HGMD: prior to June 1st, 2018), and was therefore a candidate for classification through an automated scoring system. Utilizing variant allele frequency, disease prevalence and penetrance estimates, and inheritance mode, an automated score was calculated to assess if this variant is too frequent to cause the disease. Based on the score and internal cut-off values, a variant classified as benign is not then subjected to further curation. The score for this variant resulted in a classification of benign for this disease.

PreventionGenetics, part of Exact Sciences
Classification: Benign. Last evaluated: 2016-11-28. Review status: criteria provided, single submitter. Criteria: ACMG Guidelines, 2015. Collection method: clinical testing. Allele origin: germline.

Color Diagnostics, LLC DBA Color Health
Classification: Benign for Hereditary cancer-predisposing syndrome. Last evaluated: 2015-04-01. Review status: criteria provided, single submitter. Criteria: ACMG Guidelines, 2015. Collection method: clinical testing. Allele origin: germline.

Ambry Genetics
Classification: Benign for Hereditary cancer-predisposing syndrome. Last evaluated: 2014-11-20. Review status: criteria provided, single submitter. Criteria: Ambry Variant Classification Scheme 2023. Collection method: clinical testing. Allele origin: germline.

GeneDx
Classification: Benign. Last evaluated: 2013-10-24. Review status: criteria provided, single submitter. Criteria: GeneDx Variant Classification (06012015). Collection method: clinical testing. Allele origin: germline. Affected: yes.
Comment: This variant is considered likely benign or benign based on one or more of the following criteria: it is a conservative change, it occurs at a poorly conserved position in the protein, it is predicted to be benign by multiple in silico algorithms, and/or has population frequency not consistent with disease.

Breakthrough Genomics
Classification: Likely benign. Review status: criteria provided, single submitter. Criteria: ACMG Guidelines, 2015. Collection method: not provided. Allele origin: germline. Inheritance: Autosomal dominant inheritance. Affected: yes.

Counsyl
Classification: Benign for Familial cancer of breast. Last evaluated: 2016-06-03. Review status: no assertion criteria provided. Collection method: clinical testing. Allele origin: unknown. Not counted in ClinVar's aggregate classification.

Department of Pathology and Laboratory Medicine, Sinai Health System
Classification: Benign for Malignant tumor of breast. Review status: no assertion criteria provided. Collection method: clinical testing. Allele origin: unknown. Affected: yes. Study: The Canadian Open Genetics Repository (COGR). Not counted in ClinVar's aggregate classification.
Comment: The BARD1 p.Gly203= variant was identified in 8 of 856 proband chromosomes (frequency: 0.009) from Belgian, Polish and Finnish individuals or families with high risk BRCA1/2 negative breast and/or ovarian cancer and was present in 2 of 140 control chromosomes (frequency: 0.01) from healthy individuals (De Brakeleer 2010, Ratajska 2012 , Karppinen 2004). The variant was also identified in dbSBP (ID: rs28997574) â€šÃ„ÃºWith Likely benign alleleâ€šÃ„Ã¹, ClinVar (classified as benign by GeneDx, Ambry Genetics, Invitae, Counsyl, Color Genomics Inc, and likely benign by Illumina), and the Zhejiang Colon Cancer Database (3x); but was not identified in MutDB and Cosmic. The variant was identified in control databases in 2280 (23 homozygous) of 259884 chromosomes at a frequency of 0.009 increasing the likelihood this could be a low frequency benign variant (Genome Aggregation Consortium Feb 27, 2017), being identified in the following populations at a frequency greater than 1%: Ashkenazi Jewish* in 270 of 9086 chromosomes (freq: 0.03), Other in 110 of 6022 chromosomes (freq: 0.02), Latino in 410 of 30290 chromosomes (freq: 0.014). The p.Gly203Gly variant is not expected to have clinical significance because it does not result in a change of amino acid and is not located in a known consensus splice site. In addition, in silico or computational prediction software programs (SpliceSiteFinder, MaxEntScan, NNSPLICE, GeneSplicer, HumanSpliceFinder) do not predict a difference in splicing. In summary, based on the above information this variant meets our laboratory's criteria to be classified as benign.

Literature cited by the submitters: PubMed 15342711 (cited by Quest Diagnostics Nichols Institute San Juan Capistrano); PubMed 20077502 (cited by Quest Diagnostics Nichols Institute San Juan Capistrano and Counsyl); PubMed 26010302 (cited by Quest Diagnostics Nichols Institute San Juan Capistrano); PubMed 17972171 (cited by Quest Diagnostics Nichols Institute San Juan Capistrano); PubMed 21344236 (cited by Quest Diagnostics Nichols Institute San Juan Capistrano); PubMed 19197335 (cited by Quest Diagnostics Nichols Institute San Juan Capistrano and Counsyl); PubMed 26787654 (cited by Quest Diagnostics Nichols Institute San Juan Capistrano and Counsyl).

NM_000465.4(BARD1):c.609A>C (p.Gly203=)

Gene: BARD1 (BRCA1 associated RING domain 1; minus strand). Cytogenetic location: 2q35.
Variant type: single nucleotide variant.
Coding change: c.609A>C on transcript NM_000465.4 (MANE Select); coding-DNA position 609, A replaced by C.
Protein change: p.Gly203=; no amino-acid change (glycine 203 retained).
Molecular consequence: synonymous variant. On other transcripts: non-coding transcript variant (2), intron variant (3).
Genome position (GRCh38, 1-based): chr2:214,781,265, T>G on the plus strand (A>C on the coding strand, the complement: BARD1 is on the minus strand). VCF-style: chr2-214781265-T-G. GRCh37 (hg19) VCF-style: chr2-215645989-T-G.
Other names: p.G203G:GGA>GGC; NP_000456.2:p.Gly203=; p.Gly203=; c.552A>C, p.Gly184= (NM_001282543.2); c.158+28147A>C (NM_001282548.2); c.215+15796A>C (NM_001282545.2); c.364+11032A>C (NM_001282549.2).
Identifiers: ClinVar variation 136496 (VCV000136496.65), dbSNP rs28997574, ClinGen allele CA293921.
Genomic context (GRCh38, chr2:214,781,265, plus strand): 5'-TTCTGCCTCTAAATTCCATTTTTGGTTGATTTCAGCTAAAGTTTTCTTTTTTTGCTTTTT[T>G]CCAGATCTTGCAGAAGCCTTTTTAGCCCTCTCAGAAACATCTGCAGGAGGACTTGGGGAA-3'
Protein context (NP_000456.2, residues 193-213): ERAKKASARS[Gly203=]KKQKKKTLAE